The following is an entry in ClinVar:

NM_002317.7(LOX):c.942A>C (p.Arg314Ser)

Genes: LOX (lysyl oxidase; minus strand), SRFBP1 (serum response factor binding protein 1; plus strand). Cytogenetic location: 5q23.1.
Variant type: single nucleotide variant.
Coding change: c.942A>C on transcript NM_002317.7 (MANE Select); coding-DNA position 942, A replaced by C.
Protein change: p.Arg314Ser; replaces arginine 314 with serine.
Molecular consequence: missense variant.
Genome position (GRCh38, 1-based): chr5:122,074,106, T>G on the plus strand (A>C on the coding strand, the complement: LOX is on the minus strand). VCF-style: chr5-122074106-T-G. GRCh37 (hg19) VCF-style: chr5-121409801-T-G.
Other names: c.252A>C, p.Arg84Ser (NM_001178102.2); c.51A>C, p.Arg17Ser (NM_001317073.1); short protein forms R17S, R314S, R84S.
Identifiers: ClinVar variation 3538997 (VCV003538997.1).

ClinVar aggregate classification (germline): Uncertain significance (1 of 4 stars; one submission).

Conditions:
Cardiovascular phenotype. Identifiers: MedGen CN230736.

gnomAD v4.1: 1 of 1,613,962 alleles (0.000062%); highest among the groups gnomAD compares: African/African-American, 0.0013%; no homozygotes.

Submission:

Ambry Genetics
Classification: Uncertain significance for Cardiovascular phenotype. Last evaluated: 2024-09-15. Review status: criteria provided, single submitter. Criteria: Ambry Variant Classification Scheme 2023. Collection method: clinical testing. Allele origin: germline.
Comment: The p.R314S variant (also known as c.942A>C), located in coding exon 4 of the LOX gene, results from an A to C substitution at nucleotide position 942. The arginine at codon 314 is replaced by serine, an amino acid with dissimilar properties. This amino acid position is conserved. In addition, this alteration is predicted to be tolerated by in silico analysis. Based on the available evidence, the clinical significance of this variant remains unclear.